The following is an entry in ClinVar:

NM_000053.4(ATP7B):c.3374G>T (p.Ser1125Ile)

Gene: ATP7B (ATPase copper transporting beta; minus strand). Cytogenetic location: 13q14.3.
Variant type: single nucleotide variant.
Coding change: c.3374G>T on transcript NM_000053.4 (MANE Select); coding-DNA position 3374, G replaced by T.
Protein change: p.Ser1125Ile; replaces serine 1125 with isoleucine.
Molecular consequence: missense variant.
Genome position (GRCh38, 1-based): chr13:51,942,424, C>A on the plus strand (G>T on the coding strand, the complement: ATP7B is on the minus strand). VCF-style: chr13-51942424-C-A. GRCh37 (hg19) VCF-style: chr13-52516560-C-A.
Other names: c.3179G>T, p.Ser1060Ile (NM_001406525.1); c.3374G>T, p.Ser1125Ile (NM_001406526.1, NM_001406511.1, NM_001406512.1); c.3230G>T, p.Ser1077Ile (NM_001406522.1, NM_001406520.1, NM_001406521.1); c.3191G>T, p.Ser1064Ile (NM_001406523.1); c.3197G>T, p.Ser1066Ile (NM_001406524.1); c.3278G>T, p.Ser1093Ile (NM_001406517.1, NM_001406518.1); c.3239G>T, p.Ser1080Ile (NM_001406519.1); c.3035G>T, p.Ser1012Ile (NM_001406537.1); and 19 more; short protein forms S1009I, S1012I, S1014I, S1015I, S1029I, S1041I, S1045I, S1047I.
Identifiers: ClinVar variation 3387500 (VCV003387500.1).

ClinVar aggregate classification (germline): Uncertain significance (1 of 4 stars; one submission).

Conditions:
Wilson disease (WND). Also called: Wilson's disease. Identifiers: Orphanet 905, MedGen C0019202, MONDO:0010200, OMIM 277900. Disease mechanism: loss of function.

gnomAD v4.1: 1 of 1,614,244 alleles (0.000062%); highest among the groups gnomAD compares: Admixed American, 0.0017%; no homozygotes.

Submission:

All of Us Research Program, National Institutes of Health
Classification: Uncertain significance for Wilson disease. Last evaluated: 2024-03-24. Review status: criteria provided, single submitter. Criteria: ACMG Guidelines, 2015. Collection method: clinical testing. Allele origin: germline. Inheritance: Autosomal recessive inheritance. Observed: 1 variant allele, 1 heterozygote.
Comment: This missense variant replaces serine with isoleucine at codon 1125 of the ATP7B protein. Computational prediction suggests that this variant may not impact protein structure and function (internally defined REVEL score threshold <= 0.5, PMID: 27666373). To our knowledge, functional studies have not been reported for this variant. This variant has not been reported in individuals affected with ATP7B-related disorders in the literature. This variant has been identified in 1/249554 chromosomes in the general population by the Genome Aggregation Database (gnomAD). The available evidence is insufficient to determine the role of this variant in disease conclusively. Therefore, this variant is classified as a Variant of Uncertain Significance.

This study involves interpretation of variants in research participants for the purpose of population health screening. Participant phenotype was not available at the time of variant classification. Additional details can be found in publication PMID: 35346344, PMCID: PMC8962531